The following is an entry in ClinVar:

NM_000135.4(FANCA):c.2344C>G (p.Leu782Val)

Gene: FANCA (FA complementation group A; minus strand). Cytogenetic location: 16q24.3.
Variant type: single nucleotide variant.
Coding change: c.2344C>G on transcript NM_000135.4 (MANE Select); coding-DNA position 2344, C replaced by G.
Protein change: p.Leu782Val; replaces leucine 782 with valine.
Molecular consequence: missense variant.
Genome position (GRCh38, 1-based): chr16:89,769,997, G>C on the plus strand (C>G on the coding strand, the complement: FANCA is on the minus strand). VCF-style: chr16-89769997-G-C. GRCh37 (hg19) VCF-style: chr16-89836405-G-C.
Other names: c.2344C>G, p.Leu782Val (NM_001286167.3); short protein forms L782V.
Identifiers: ClinVar variation 3848286 (VCV003848286.2).

ClinVar aggregate classification (germline): Conflicting classifications of pathogenicity. Review status: criteria provided, conflicting classifications (1 of 4 stars). 2 submissions from 2 submitters: Uncertain significance (1); Likely benign (1). Last evaluated 2025-03-05.

Conditions:
Inborn genetic diseases. Identifiers: MedGen C0950123, MeSH D030342.

gnomAD v4.1: 8 of 1,613,870 alleles (0.0005%); highest among the groups gnomAD compares: South Asian, 0.0088%; no homozygotes.

Submissions (2):

Ambry Genetics
Classification: Uncertain significance for Inborn genetic diseases. Last evaluated: 2025-03-05. Review status: criteria provided, single submitter. Criteria: Ambry Variant Classification Scheme 2023. Collection method: clinical testing. Allele origin: germline.
Comment: The p.L782V variant (also known as c.2344C>G), located in coding exon 26 of the FANCA gene, results from a C to G substitution at nucleotide position 2344. The leucine at codon 782 is replaced by valine, an amino acid with highly similar properties. This amino acid position is conserved. In addition, this alteration is predicted to be tolerated by in silico analysis. Based on the available evidence, the clinical significance of this variant remains unclear.

Blueprint Genetics
Classification: Likely benign. Last evaluated: 2022-03-09. Review status: criteria provided, single submitter. Criteria: ACMG Guidelines, 2015. Collection method: clinical testing. Allele origin: germline.